The following is an entry in ClinVar:

NM_002474.3(MYH11):c.5253C>T (p.Asn1751=)

Genes: NDE1 (nudE neurodevelopment protein 1; plus strand), MYH11 (myosin heavy chain 11; minus strand). Cytogenetic location: 16p13.11.
Variant type: single nucleotide variant.
Coding change: c.5253C>T on transcript NM_002474.3 (MANE Select); coding-DNA position 5253, C replaced by T.
Protein change: p.Asn1751=; no amino-acid change (asparagine 1751 retained).
Molecular consequence: synonymous variant. On other transcripts: intron variant (2).
Genome position (GRCh38, 1-based): chr16:15,718,357, G>A on the plus strand (C>T on the coding strand, the complement: MYH11 is on the minus strand). VCF-style: chr16-15718357-G-A. GRCh37 (hg19) VCF-style: chr16-15812214-G-A.
Other names: c.5274C>T, p.Asn1758= (NM_001040113.2, NM_001040114.2); c.5253C>T, p.Asn1751= (NM_022844.3); c.948-5834G>A (NM_001143979.2, NM_017668.3).
Identifiers: ClinVar variation 750822 (VCV000750822.12), dbSNP rs1039451380, ClinGen allele CA278596074.
Genomic context (GRCh38, chr16:15,718,357, plus strand): 5'-TGTCCAGGCGGCCCTCACCTGCTGTGTGGCTTTGCGGACCCGGTCGCTCATGGCCTCCAT[G>A]TTGCCCTGCTCCTCCTCCAGCTCCTCCTCCAGCTGGGCGATCCGGGCCTCCAGGCGGCGC-3'
Protein context (NP_002465.1, residues 1741-1761): LEEELEEEQG[Asn1751=]MEAMSDRVRK

ClinVar aggregate classification (germline): Likely benign. Review status: criteria provided, multiple submitters, no conflicts (2 of 4 stars). 3 submissions from 3 submitters: Likely benign (3). Last evaluated 2025-04-26.

Conditions:
Familial thoracic aortic aneurysm and aortic dissection (TAAD). Also called: Thoracic aortic aneurysms and dissections. Identifiers: Orphanet 91387, MedGen C4707243, MONDO:0019625.
Aortic aneurysm, familial thoracic 4 (AAT4). Also called: AORTIC ANEURYSM/AORTIC DISSECTION AND PATENT DUCTUS ARTERIOSUS. Identifiers: MedGen C1851504, MONDO:0007568, OMIM 132900.

Allele frequency attached by ClinVar (database versions not stated): gnomAD exomes below 0.00001; TOPMed 0.00001.
gnomAD v4.1: 4 of 1,608,696 alleles (0.00025%); highest among the groups gnomAD compares: Admixed American, 0.0067%; no homozygotes.

Submissions (3):

Labcorp Genetics (formerly Invitae), Labcorp
Classification: Likely benign for Aortic aneurysm, familial thoracic 4. Last evaluated: 2025-04-26. Review status: criteria provided, single submitter. Criteria: Invitae Variant Classification Sherloc (09022015). Collection method: clinical testing. Allele origin: germline.

All of Us Research Program, National Institutes of Health
Classification: Likely benign for Familial thoracic aortic aneurysm and aortic dissection. Last evaluated: 2023-07-13. Review status: criteria provided, single submitter. Criteria: ACMG Guidelines, 2015. Collection method: clinical testing. Allele origin: germline. Inheritance: Autosomal dominant inheritance. Observed: 2 variant alleles, 2 heterozygotes.
Comment: This study involves interpretation of variants in research participants for the purpose of population health screening. Participant phenotype was not available at the time of variant classification. Additional details can be found in publication PMID: 35346344, PMCID: PMC8962531

Color Diagnostics, LLC DBA Color Health
Classification: Likely benign for Familial thoracic aortic aneurysm and aortic dissection. Last evaluated: 2018-11-25. Review status: criteria provided, single submitter. Criteria: ACMG Guidelines, 2015. Collection method: clinical testing. Allele origin: germline.